The following is an entry in ClinVar:

ClinVar aggregate classification (germline): Uncertain significance. Review status: criteria provided, multiple submitters, no conflicts (2 of 4 stars). 3 submissions from 3 submitters: Uncertain significance (3). Last evaluated 2025-07-29.

Conditions:
Hereditary cancer-predisposing syndrome. Also called: Hereditary neoplastic syndrome; Neoplastic Syndromes, Hereditary; Tumor predisposition; Hereditary Cancer Syndrome. Identifiers: Orphanet 140162, MedGen C0027672, MeSH D009386, MONDO:0015356.

Allele frequency attached by ClinVar (database versions not stated): gnomAD exomes below 0.00001.
gnomAD v4.1: 5 of 1,614,092 alleles (0.00031%); highest among the groups gnomAD compares: Middle Eastern, 0.016%; no homozygotes.

Submissions (3):

Labcorp Genetics (formerly Invitae), Labcorp
Classification: Uncertain significance. Last evaluated: 2025-07-29. Review status: criteria provided, single submitter. Criteria: Invitae Variant Classification Sherloc (09022015). Collection method: clinical testing. Allele origin: germline.
Comment: This sequence change replaces valine, which is neutral and non-polar, with methionine, which is neutral and non-polar, at codon 174 of the POLE protein (p.Val174Met). This variant is present in population databases (no rsID available, gnomAD 0.0009%). This variant has not been reported in the literature in individuals affected with POLE-related conditions. ClinVar contains an entry for this variant (Variation ID: 946845). Invitae Evidence Modeling of protein sequence and biophysical properties (such as structural, functional, and spatial information, amino acid conservation, physicochemical variation, residue mobility, and thermodynamic stability) has been performed for this missense variant. However, the output from this modeling did not meet the statistical confidence thresholds required to predict the impact of this variant on POLE protein function. In summary, the available evidence is currently insufficient to determine the role of this variant in disease. Therefore, it has been classified as a Variant of Uncertain Significance.

Center for Genomic Medicine, Rigshospitalet, Copenhagen University Hospital
Classification: Uncertain significance. Last evaluated: 2025-03-04. Review status: criteria provided, single submitter. Criteria: ACMG Guidelines, 2015. Collection method: clinical testing. Allele origin: germline.

Ambry Genetics
Classification: Uncertain significance for Hereditary cancer-predisposing syndrome. Last evaluated: 2025-01-15. Review status: criteria provided, single submitter. Criteria: Ambry Variant Classification Scheme 2023. Collection method: clinical testing. Allele origin: germline.
Comment: The p.V174M variant (also known as c.520G>A), located in coding exon 6 of the POLE gene, results from a G to A substitution at nucleotide position 520. The valine at codon 174 is replaced by methionine, an amino acid with highly similar properties. This amino acid position is highly conserved in available vertebrate species. In addition, this alteration is predicted to be tolerated by in silico analysis. Based on the available evidence, the clinical significance of this variant remains unclear.

NM_006231.4(POLE):c.520G>A (p.Val174Met)

Gene: POLE (DNA polymerase epsilon, catalytic subunit; minus strand). Cytogenetic location: 12q24.33.
Variant type: single nucleotide variant.
Coding change: c.520G>A on transcript NM_006231.4 (MANE Select); coding-DNA position 520, G replaced by A.
Protein change: p.Val174Met; replaces valine 174 with methionine.
Molecular consequence: missense variant.
Genome position (GRCh38, 1-based): chr12:132,679,555, C>T on the plus strand (G>A on the coding strand, the complement: POLE is on the minus strand). VCF-style: chr12-132679555-C-T. GRCh37 (hg19) VCF-style: chr12-133256141-C-T.
Other names: c.520G>A (NM_006231.2); short protein forms V174M.
Identifiers: ClinVar variation 946845 (VCV000946845.12), dbSNP rs1250780418, ClinGen allele CA387367029.